The following is an entry in ClinVar:

ClinVar aggregate classification (germline): Benign/Likely benign. Review status: criteria provided, multiple submitters, no conflicts (2 of 4 stars). 8 submissions from 7 submitters: Benign (4); Likely benign (3). 1 of the submissions does not count toward it. Last evaluated 2024-10-30.

Conditions:
BRAF-related disorder. Also called: BRAF-related condition.
Noonan syndrome and Noonan-related syndrome. Identifiers: Orphanet 98733, MedGen C5681679, MONDO:0020297.
Noonan syndrome 7 (NS7). Also called: BRAF-Related Noonan Syndrome. Identifiers: Orphanet 648, MedGen C3150970, MONDO:0013379, OMIM 613706.
LEOPARD syndrome 3 (LPRD3). Identifiers: Orphanet 500, MedGen C3150971, MONDO:0013380, OMIM 613707.

Allele frequency attached by ClinVar (database versions not stated): gnomAD 0.00024 and 0.00036; ExAC 0.00029; TOPMed 0.00073; 1000 Genomes Project 0.00200; 1000 Genomes Project 30x 0.00265.
gnomAD v4.1: 312 of 977,068 alleles (0.032%); highest among the groups gnomAD compares: East Asian, 0.86%; 1 homozygote.

Submissions (8):

Blueprint Genetics
Classification: Likely benign. Last evaluated: 2024-10-30. Review status: criteria provided, single submitter. Criteria: ACMG Guidelines, 2015. Collection method: clinical testing. Allele origin: germline.

Genome Diagnostics Laboratory, The Hospital for Sick Children
Classification: Benign for Noonan syndrome and Noonan-related syndrome. Last evaluated: 2020-07-01. Review status: criteria provided, single submitter. Criteria: ACMG Guidelines, 2015. Collection method: clinical testing. Allele origin: germline.

Illumina Laboratory Services, Illumina
Classification: Benign for LEOPARD syndrome 3. Last evaluated: 2018-01-12. Review status: criteria provided, single submitter. Criteria: ICSL Variant Classification Criteria 13 December 2019. Collection method: clinical testing. Allele origin: germline.
Comment: This variant was observed in the ICSL laboratory as part of a predisposition screen in an ostensibly healthy population. It had not been previously curated by ICSL or reported in the Human Gene Mutation Database (HGMD: prior to June 1st, 2018), and was therefore a candidate for classification through an automated scoring system. Utilizing variant allele frequency, disease prevalence and penetrance estimates, and inheritance mode, an automated score was calculated to assess if this variant is too frequent to cause the disease. Based on the score and internal cut-off values, a variant classified as benign is not then subjected to further curation. The score for this variant resulted in a classification of benign for this disease.

Illumina Laboratory Services, Illumina
Classification: Likely benign for Noonan syndrome 7. Last evaluated: 2018-01-12. Review status: criteria provided, single submitter. Criteria: ICSL Variant Classification Criteria 13 December 2019. Collection method: clinical testing. Allele origin: germline.
Comment: This variant was observed in the ICSL laboratory as part of a predisposition screen in an ostensibly healthy population. It had not been previously curated by ICSL or reported in the Human Gene Mutation Database (HGMD: prior to June 1st, 2018), and was therefore a candidate for classification through an automated scoring system. Utilizing variant allele frequency, disease prevalence and penetrance estimates, and inheritance mode, an automated score was calculated to assess if this variant is too frequent to cause the disease. Based on the score and internal cut-off values, a variant classified as likely benign is not then subjected to further curation. The score for this variant resulted in a classification of likely benign for this disease.

Women's Health and Genetics/Laboratory Corporation of America, LabCorp
Classification: Benign. Last evaluated: 2017-02-27. Review status: criteria provided, single submitter. Criteria: LabCorp Variant Classification Summary - May 2015. Collection method: clinical testing. Allele origin: germline.
Comment: Variant summary: The BRAF c.-5A>G variant involves the alteration of a non-conserved nucleotide in 5 UTR region. This variant was found in 10/5008 control chromosomes from 1000 Genomes at a frequency of 0.0019968, which is approximately 799 times the estimated maximal expected allele frequency of a pathogenic BRAF variant (0.0000025. The variant is found in East Asian population with an allele frequency of 1% (10/1008), suggesting it is a benign polymorphism mainly found in East Asian population. The allele frequency of this variant in ExAC and gnomad (early version) is 1.5% (2/130 chromosomes) and 1.3% (97/7260 chromosomes), respectively. In addition, multiple clinical diagnostic laboratories/reputable databases have classified this variant as benign/likely benign. Taken together, this variant is classified as Benign.

Eurofins Ntd Llc (ga)
Classification: Likely benign. Last evaluated: 2015-12-04. Review status: criteria provided, single submitter. Criteria: EGL Classification Definitions 2015. Collection method: clinical testing. Allele origin: germline. Observed: 1 variant allele, 1 heterozygote.

GeneDx
Classification: Benign. Last evaluated: 2013-04-08. Review status: criteria provided, single submitter. Criteria: GeneDx Variant Classification (06012015). Collection method: clinical testing. Allele origin: germline. Affected: yes.
Comment: This variant is considered likely benign or benign based on one or more of the following criteria: it is a conservative change, it occurs at a poorly conserved position in the protein, it is predicted to be benign by multiple in silico algorithms, and/or has population frequency not consistent with disease.

PreventionGenetics, part of Exact Sciences
Classification: Benign for BRAF-related condition. Last evaluated: 2019-07-23. Review status: no assertion criteria provided. Collection method: clinical testing. Allele origin: germline. Not counted in ClinVar's aggregate classification.
Comment: This variant is classified as benign based on ACMG/AMP sequence variant interpretation guidelines (Richards et al. 2015 PMID: 25741868, with internal and published modifications).

Literature cited by the submitters: PubMed 12810628 (cited by Women's Health and Genetics/Laboratory Corporation of America, LabCorp).

NM_004333.6(BRAF):c.-5A>G

Gene: BRAF (B-Raf proto-oncogene, serine/threonine kinase; minus strand). Cytogenetic location: 7q34.
Variant type: single nucleotide variant.
Coding change: c.-5A>G on transcript NM_004333.6 (MANE Select); 5 bases upstream of the start codon, A replaced by G.
Molecular consequence: 5 prime UTR variant.
Genome position (GRCh38, 1-based): chr7:140,924,708, T>C on the plus strand (A>G on the coding strand, the complement: BRAF is on the minus strand). VCF-style: chr7-140924708-T-C. GRCh37 (hg19) VCF-style: chr7-140624508-T-C.
Other names: c.-5A>G (NM_001354609.2, NM_001374244.1, NM_001374258.1 and 7 more transcripts).
Identifiers: ClinVar variation 136536 (VCV000136536.15), dbSNP rs71645936, ClinGen allele CA289732.